The following is an entry in ClinVar:

ClinVar aggregate classification (germline): Uncertain significance (1 of 4 stars; one submission).

Conditions:
Neutropenia, severe congenital, 2, autosomal dominant. Identifiers: Orphanet 486, MedGen C2751288, MONDO:0013139, OMIM 613107.

Submission:

Labcorp Genetics (formerly Invitae), Labcorp
Classification: Uncertain significance for Neutropenia, severe congenital, 2, autosomal dominant. Last evaluated: 2022-08-22. Review status: criteria provided, single submitter. Criteria: Invitae Variant Classification Sherloc (09022015). Collection method: clinical testing. Allele origin: germline.
Comment: In summary, the available evidence is currently insufficient to determine the role of this variant in disease. Therefore, it has been classified as a Variant of Uncertain Significance. This variant, c.201_221del, results in the deletion of 7 amino acid(s) of the GFI1 protein (p.Arg67_Asp73del), but otherwise preserves the integrity of the reading frame. This variant is not present in population databases (gnomAD no frequency). This variant has not been reported in the literature in individuals affected with GFI1-related conditions. Experimental studies and prediction algorithms are not available or were not evaluated, and the functional significance of this variant is currently unknown.

NM_005263.5(GFI1):c.201_221del (p.Arg67_Asp73del)

Gene: GFI1 (growth factor independent 1 transcriptional repressor; minus strand). Cytogenetic location: 1p22.1.
Variant type: Deletion.
Coding change: c.201_221del on transcript NM_005263.5 (MANE Select); coding-DNA positions 201 to 221, 21 bases deleted (AGCCTCCGCATCCCCAGACAG).
Protein change: p.Arg67_Asp73del.
Molecular consequence: inframe deletion.
Genome position (GRCh38, 1-based): chr1:92,482,941-92,482,961, CTGTCTGGGGATGCGGAGGCT deleted on the plus strand (AGCCTCCGCATCCCCAGACAG on the coding strand, the reverse complement: GFI1 is on the minus strand); deleting any 21 consecutive bases within chr1:92,482,941-92,482,971 gives the same sequence; the c. name uses the placement nearest the transcript's 3' end. VCF-style (leftmost placement, unchanged base first): chr1-92482940-GCTGTCTGGGGATGCGGAGGCT-G. GRCh37 (hg19) VCF-style: chr1-92948497-GCTGTCTGGGGATGCGGAGGCT-G.
Other names: c.201_221del, p.Arg67_Asp73del (NM_001127215.3, NM_001127216.3).
Identifiers: ClinVar variation 2026175 (VCV002026175.4), dbSNP rs759646696, ClinGen allele CA2580063308.